The following is an entry in ClinVar:

ClinVar aggregate classification (germline): Likely benign. Review status: criteria provided, multiple submitters, no conflicts (2 of 4 stars). 2 submissions from 2 submitters: Likely benign (2). Last evaluated 2024-02-09.

Allele frequency attached by ClinVar (database versions not stated): gnomAD 0.00001; gnomAD exomes 0.00003 and 0.00007; TOPMed 0.00003; ExAC 0.00005.
gnomAD v4.1: 23 of 1,611,818 alleles (0.0014%); highest among the groups gnomAD compares: Admixed American, 0.035%; no homozygotes.

Submissions (2):

Labcorp Genetics (formerly Invitae), Labcorp
Classification: Likely benign. Last evaluated: 2024-02-09. Review status: criteria provided, single submitter. Criteria: Invitae Variant Classification Sherloc (09022015). Collection method: clinical testing. Allele origin: germline.

GeneDx
Classification: Likely benign. Last evaluated: 2016-03-29. Review status: criteria provided, single submitter. Criteria: GeneDx Variant Classification (06012015). Collection method: clinical testing. Allele origin: germline. Affected: yes.
Comment: This variant is considered likely benign or benign based on one or more of the following criteria: it is a conservative change, it occurs at a poorly conserved position in the protein, it is predicted to be benign by multiple in silico algorithms, and/or has population frequency not consistent with disease.

NM_000443.4(ABCB4):c.1560+16A>G

Gene: ABCB4 (ATP binding cassette subfamily B member 4; minus strand). Cytogenetic location: 7q21.12.
Variant type: single nucleotide variant.
Coding change: c.1560+16A>G on transcript NM_000443.4 (MANE Select); 16 bases into the intron after coding-DNA position 1560, A replaced by G.
Molecular consequence: intron variant.
Genome position (GRCh38, 1-based): chr7:87,440,183, T>C on the plus strand (A>G on the coding strand, the complement: ABCB4 is on the minus strand). VCF-style: chr7-87440183-T-C. GRCh37 (hg19) VCF-style: chr7-87069499-T-C.
Other names: c.1560+16A>G (NM_018850.3, NM_018849.3).
Identifiers: ClinVar variation 384569 (VCV000384569.4), dbSNP rs769175596, ClinGen allele CA4327269.